The following is an entry in ClinVar:

ClinVar aggregate classification (germline): Likely benign (1 of 4 stars; one submission).

Allele frequency attached by ClinVar (database versions not stated): 1000 Genomes Project 30x 0.00172; 1000 Genomes Project 0.00180; ESP Exome Variant Server 0.00414; TOPMed 0.00458; gnomAD 0.00531; ExAC 0.00722; gnomAD exomes 0.00787.

Submission:

CeGaT Center for Human Genetics Tuebingen
Classification: Likely benign. Last evaluated: 2023-02-01. Review status: criteria provided, single submitter. Criteria: CeGaT Center For Human Genetics Tuebingen Variant Classification Criteria Version 2. Collection method: clinical testing. Allele origin: germline. Affected: yes. Observed: 1 variant allele.
Comment: ZNF598: BP4, BS2

NM_178167.5(ZNF598):c.1919C>T (p.Pro640Leu)

Gene: ZNF598 (zinc finger protein 598, E3 ubiquitin ligase; minus strand). Cytogenetic location: 16p13.3.
Variant type: single nucleotide variant.
Coding change: c.1919C>T on transcript NM_178167.5 (MANE Select); coding-DNA position 1919, C replaced by T.
Protein change: p.Pro640Leu; replaces proline 640 with leucine.
Molecular consequence: missense variant.
Genome position (GRCh38, 1-based): chr16:1,999,630, G>A on the plus strand (C>T on the coding strand, the complement: ZNF598 is on the minus strand). VCF-style: chr16-1999630-G-A. GRCh37 (hg19) VCF-style: chr16-2049631-G-A.
Other names: c.1949C>T, p.Pro650Leu (NM_001405664.1); c.1901C>T, p.Pro634Leu (NM_001405665.1); short protein forms P634L, P640L, P650L.
Identifiers: ClinVar variation 2645961 (VCV002645961.24), dbSNP rs144186452, ClinGen allele CA7826680.
Genomic context (GRCh38, chr16:1,999,630, plus strand): 5'-AAGGACCCCAGGGGCCTTGGGAGCCCAGGGGGTTCCTTGGGGGCACTCCGAGCAGGGGCC[G>A]GGCCCTCCATGTGTCCATTAACGACGACGGCAACTGGCCCCTCGGCTCTGCTGGCAGGAG-3'
Protein context (NP_835461.2, residues 630-650): AVVVNGHMEG[Pro640Leu]APARSAPKEP